The following is an entry in ClinVar:

ClinVar aggregate classification (germline): Uncertain significance (1 of 4 stars; one submission).

Conditions:
Nemaline myopathy 6 (NEM6). Also called: Nemaline myopathy 6, autosomal dominant. Identifiers: Orphanet 171439, MedGen C1836472, MONDO:0012237, OMIM 609273.

Submission:

Labcorp Genetics (formerly Invitae), Labcorp
Classification: Uncertain significance for Nemaline myopathy 6. Last evaluated: 2024-02-20. Review status: criteria provided, single submitter. Criteria: Invitae Variant Classification Sherloc (09022015). Collection method: clinical testing. Allele origin: germline.
Comment: This sequence change replaces leucine, which is neutral and non-polar, with methionine, which is neutral and non-polar, at codon 142 of the KBTBD13 protein (p.Leu142Met). This variant is not present in population databases (gnomAD no frequency). This variant has not been reported in the literature in individuals affected with KBTBD13-related conditions. ClinVar contains an entry for this variant (Variation ID: 1525481). Advanced modeling of protein sequence and biophysical properties (such as structural, functional, and spatial information, amino acid conservation, physicochemical variation, residue mobility, and thermodynamic stability) performed at Invitae indicates that this missense variant is not expected to disrupt KBTBD13 protein function with a negative predictive value of 80%. In summary, the available evidence is currently insufficient to determine the role of this variant in disease. Therefore, it has been classified as a Variant of Uncertain Significance.

NM_001101362.3(KBTBD13):c.424C>A (p.Leu142Met)

Gene: KBTBD13 (kelch repeat and BTB domain containing 13; plus strand). Cytogenetic location: 15q22.31.
Variant type: single nucleotide variant.
Coding change: c.424C>A on transcript NM_001101362.3 (MANE Select); coding-DNA position 424, C replaced by A.
Protein change: p.Leu142Met; replaces leucine 142 with methionine.
Molecular consequence: missense variant.
Genome position (GRCh38, 1-based): chr15:65,077,239, C>A. VCF-style: chr15-65077239-C-A. GRCh37 (hg19) VCF-style: chr15-65369577-C-A.
Other names: short protein forms L142M.
Identifiers: ClinVar variation 1525481 (VCV001525481.8), dbSNP rs1476921965, ClinGen allele CA392860652.